The following is an entry in ClinVar:

ClinVar aggregate classification (germline): Uncertain significance (1 of 4 stars; one submission).

Conditions:
Werner syndrome (WRN). Identifiers: Orphanet 902, MedGen C0043119, MONDO:0010196, OMIM 277700.

Allele frequency attached by ClinVar (database versions not stated): gnomAD exomes below 0.00001.
gnomAD v4.1: 1 of 1,613,006 alleles (0.000062%); highest among the groups gnomAD compares: Non-Finnish European, 0.000085%; no homozygotes.

Submission:

Labcorp Genetics (formerly Invitae), Labcorp
Classification: Uncertain significance for Werner syndrome. Last evaluated: 2023-03-17. Review status: criteria provided, single submitter. Criteria: Invitae Variant Classification Sherloc (09022015). Collection method: clinical testing. Allele origin: germline.
Comment: This sequence change falls in intron 2 of the WRN gene. It does not directly change the encoded amino acid sequence of the WRN protein. It affects a nucleotide within the consensus splice site. This variant is not present in population databases (gnomAD no frequency). This variant has not been reported in the literature in individuals affected with WRN-related conditions. ClinVar contains an entry for this variant (Variation ID: 945115). Variants that disrupt the consensus splice site are a relatively common cause of aberrant splicing (PMID: 17576681, 9536098). Algorithms developed to predict the effect of sequence changes on RNA splicing suggest that this variant is not likely to affect RNA splicing. In summary, the available evidence is currently insufficient to determine the role of this variant in disease. Therefore, it has been classified as a Variant of Uncertain Significance.

Literature cited by the submitters: PubMed 17576681; PubMed 9536098.

NM_000553.6(WRN):c.96+3A>G

Gene: WRN (WRN RecQ like helicase; plus strand). Cytogenetic location: 8p12.
Variant type: single nucleotide variant.
Coding change: c.96+3A>G on transcript NM_000553.6 (MANE Select); 3 bases into the intron after coding-DNA position 96, A replaced by G.
Molecular consequence: intron variant.
Genome position (GRCh38, 1-based): chr8:31,058,546, A>G. VCF-style: chr8-31058546-A-G. GRCh37 (hg19) VCF-style: chr8-30916062-A-G.
Identifiers: ClinVar variation 945115 (VCV000945115.4), dbSNP rs1812363250, ClinGen allele CA1139660418.